The following is an entry in ClinVar:

NM_177438.3(DICER1):c.1730A>G (p.Lys577Arg)

Gene: DICER1 (dicer 1, ribonuclease III; minus strand). Cytogenetic location: 14q32.13.
Variant type: single nucleotide variant.
Coding change: c.1730A>G on transcript NM_177438.3 (MANE Select); coding-DNA position 1730, A replaced by G.
Protein change: p.Lys577Arg; replaces lysine 577 with arginine.
Molecular consequence: missense variant. On other transcripts: non-coding transcript variant (6).
Genome position (GRCh38, 1-based): chr14:95,116,475, T>C on the plus strand (A>G on the coding strand, the complement: DICER1 is on the minus strand). VCF-style: chr14-95116475-T-C. GRCh37 (hg19) VCF-style: chr14-95582812-T-C.
Other names: c.1730A>G, p.Lys577Arg (NM_001195573.1, NM_001271282.3, NM_001291628.2 and 13 more transcripts); c.1448A>G, p.Lys483Arg (NM_001395686.1); c.1325A>G, p.Lys442Arg (NM_001395687.1, NM_001395688.1, NM_001395689.1 and 3 more transcripts); c.1163A>G, p.Lys388Arg (NM_001395691.1); c.47A>G, p.Lys16Arg (NM_001395697.1); short protein forms K16R, K388R, K442R, K577R, K483R.
Identifiers: ClinVar variation 2134899 (VCV002134899.4), dbSNP rs2140122993, ClinGen allele CA390884692.

ClinVar aggregate classification (germline): Uncertain significance (1 of 4 stars; one submission).

Conditions:
DICER1-related tumor predisposition. Also called: DICER1 syndrome; DICER1-related pleuropulmonary blastoma cancer predisposition syndrome. Identifiers: Orphanet 284343, MedGen C3839822, MONDO:0100216.

Submission:

Labcorp Genetics (formerly Invitae), Labcorp
Classification: Uncertain significance for DICER1-related tumor predisposition. Last evaluated: 2022-05-07. Review status: criteria provided, single submitter. Criteria: Invitae Variant Classification Sherloc (09022015). Collection method: clinical testing. Allele origin: germline.
Comment: This sequence change replaces lysine, which is basic and polar, with arginine, which is basic and polar, at codon 577 of the DICER1 protein (p.Lys577Arg). This variant is not present in population databases (gnomAD no frequency). In summary, the available evidence is currently insufficient to determine the role of this variant in disease. Therefore, it has been classified as a Variant of Uncertain Significance. Algorithms developed to predict the effect of missense changes on protein structure and function (SIFT, PolyPhen-2, Align-GVGD) all suggest that this variant is likely to be tolerated. This variant has not been reported in the literature in individuals affected with DICER1-related conditions.